The following is an entry in ClinVar:

ClinVar aggregate classification (germline): Uncertain significance (1 of 4 stars; one submission).

Submission:

Dasa
Classification: Uncertain significance. Last evaluated: 2025-12-09. Review status: criteria provided, single submitter. Criteria: DASA Assertion Criteria. Collection method: clinical testing. Allele origin: germline.
Comment: NM_016953.4(PDE11A):c.2487+5G>C is a splice-region variant. This variant is rare in population databases. Computational prediction algorithms are consistent with a deleterious effect. The currently available literature and clinical evidence are not sufficient to establish a definitive association between this variant and the reported condition. Therefore, this variant is classified as a variant of uncertain significance.

NM_016953.4(PDE11A):c.2487+5G>C

Genes: PDE11A (phosphodiesterase 11A; minus strand), PDE11A-AS1 (PDE11A antisense RNA 1; plus strand). Cytogenetic location: 2q31.2.
Variant type: single nucleotide variant.
Coding change: c.2487+5G>C on transcript NM_016953.4 (MANE Select); 5 bases into the intron after coding-DNA position 2487, G replaced by C.
Molecular consequence: intron variant.
Genome position (GRCh38, 1-based): chr2:177,675,450, C>G on the plus strand (G>C on the coding strand, the complement: PDE11A is on the minus strand). VCF-style: chr2-177675450-C-G. GRCh37 (hg19) VCF-style: chr2-178540178-C-G.
Other names: c.1737+5G>C (NM_001077197.2); c.1413+5G>C (NM_001077358.2); c.1155+5G>C (NM_001077196.2).
Identifiers: ClinVar variation 4881930 (VCV004881930.2).